The following is an entry in ClinVar:

NM_001291303.3(FAT4):c.1569C>G (p.Phe523Leu)

Gene: FAT4 (FAT atypical cadherin 4; plus strand). Cytogenetic location: 4q28.1.
Variant type: single nucleotide variant.
Coding change: c.1569C>G on transcript NM_001291303.3 (MANE Select); coding-DNA position 1569, C replaced by G.
Protein change: p.Phe523Leu; replaces phenylalanine 523 with leucine.
Molecular consequence: missense variant.
Genome position (GRCh38, 1-based): chr4:125,317,980, C>G. VCF-style: chr4-125317980-C-G. GRCh37 (hg19) VCF-style: chr4-126239135-C-G.
Other names: c.1569C>G, p.Phe523Leu (NM_001291285.3, NM_024582.6); short protein forms F523L.
Identifiers: ClinVar variation 1390763 (VCV001390763.6), dbSNP rs2125940402, ClinGen allele CA358118186.

ClinVar aggregate classification (germline): Uncertain significance (1 of 4 stars; one submission).

Allele frequency attached by ClinVar (database versions not stated): gnomAD exomes below 0.00001.
gnomAD v4.1: 1 of 1,614,176 alleles (0.000062%); highest among the groups gnomAD compares: Non-Finnish European, 0.000085%; no homozygotes.

Submission:

Labcorp Genetics (formerly Invitae), Labcorp
Classification: Uncertain significance. Last evaluated: 2021-11-01. Review status: criteria provided, single submitter. Criteria: Invitae Variant Classification Sherloc (09022015). Collection method: clinical testing. Allele origin: germline.
Comment: This variant is not present in population databases (gnomAD no frequency). In summary, the available evidence is currently insufficient to determine the role of this variant in disease. Therefore, it has been classified as a Variant of Uncertain Significance. Algorithms developed to predict the effect of missense changes on protein structure and function are either unavailable or do not agree on the potential impact of this missense change (SIFT: "Deleterious"; PolyPhen-2: "Probably Damaging"; Align-GVGD: "Class C15"). This variant has not been reported in the literature in individuals affected with FAT4-related conditions. This sequence change replaces phenylalanine, which is neutral and non-polar, with leucine, which is neutral and non-polar, at codon 523 of the FAT4 protein (p.Phe523Leu).